The following is an entry in ClinVar:

ClinVar aggregate classification (germline): Uncertain significance. Review status: criteria provided, multiple submitters, no conflicts (2 of 4 stars). 2 submissions from 2 submitters: Uncertain significance (2). Last evaluated 2026-01-12.

Conditions:
Cardiovascular phenotype. Identifiers: MedGen CN230736.
Brugada syndrome 8 (BRGDA8). Identifiers: Orphanet 130, MedGen C2751083, MONDO:0013148, OMIM 613123.

Allele frequency attached by ClinVar (database versions not stated): ExAC 0.00014.
gnomAD v4.1: 10 of 1,402,630 alleles (0.00071%); highest among the groups gnomAD compares: Non-Finnish European, 0.00094%; no homozygotes.

Submissions (2):

Labcorp Genetics (formerly Invitae), Labcorp
Classification: Uncertain significance for Brugada syndrome 8. Last evaluated: 2026-01-12. Review status: criteria provided, single submitter. Criteria: Invitae Variant Classification Sherloc (09022015). Collection method: clinical testing. Allele origin: germline.
Comment: This sequence change replaces proline, which is neutral and non-polar, with histidine, which is basic and polar, at codon 1060 of the HCN4 protein (p.Pro1060His). The frequency data for this variant in the population databases is considered unreliable, as metrics indicate poor data quality at this position in the gnomAD database. This variant has not been reported in the literature in individuals affected with HCN4-related conditions. ClinVar contains an entry for this variant (Variation ID: 1728502). Invitae Evidence Modeling of protein sequence and biophysical properties (such as structural, functional, and spatial information, amino acid conservation, physicochemical variation, residue mobility, and thermodynamic stability) indicates that this missense variant is not expected to disrupt HCN4 protein function with a negative predictive value of 95%. In summary, the available evidence is currently insufficient to determine the role of this variant in disease. Therefore, it has been classified as a Variant of Uncertain Significance.

Ambry Genetics
Classification: Uncertain significance for Cardiovascular phenotype. Last evaluated: 2024-04-19. Review status: criteria provided, single submitter. Criteria: Ambry Variant Classification Scheme 2023. Collection method: clinical testing. Allele origin: germline.
Comment: The p.P1060H variant (also known as c.3179C>A), located in coding exon 8 of the HCN4 gene, results from a C to A substitution at nucleotide position 3179. The proline at codon 1060 is replaced by histidine, an amino acid with similar properties. This amino acid position is well conserved in available vertebrate species. In addition, the in silico prediction for this alteration is inconclusive. Since supporting evidence is limited at this time, the clinical significance of this alteration remains unclear.

NM_005477.3(HCN4):c.3179C>A (p.Pro1060His)

Gene: HCN4 (hyperpolarization activated cyclic nucleotide gated potassium channel 4; minus strand). Cytogenetic location: 15q24.1.
Variant type: single nucleotide variant.
Coding change: c.3179C>A on transcript NM_005477.3 (MANE Select); coding-DNA position 3179, C replaced by A.
Protein change: p.Pro1060His; replaces proline 1060 with histidine.
Molecular consequence: missense variant.
Genome position (GRCh38, 1-based): chr15:73,322,914, G>T on the plus strand (C>A on the coding strand, the complement: HCN4 is on the minus strand). VCF-style: chr15-73322914-G-T. GRCh37 (hg19) VCF-style: chr15-73615255-G-T.
Other names: short protein forms P1060H.
Identifiers: ClinVar variation 1728502 (VCV001728502.7), dbSNP rs764262532, ClinGen allele CA7648875.